The following is an entry in ClinVar:

NM_206933.4(USH2A):c.14928C>G (p.Gly4976=)

Gene: USH2A (usherin; minus strand). Cytogenetic location: 1q41.
Variant type: single nucleotide variant.
Coding change: c.14928C>G on transcript NM_206933.4 (MANE Select); coding-DNA position 14928, C replaced by G.
Protein change: p.Gly4976=; no amino-acid change (glycine 4976 retained).
Molecular consequence: synonymous variant.
Genome position (GRCh38, 1-based): chr1:215,640,598, G>C on the plus strand (C>G on the coding strand, the complement: USH2A is on the minus strand). VCF-style: chr1-215640598-G-C. GRCh37 (hg19) VCF-style: chr1-215813940-G-C.
Identifiers: ClinVar variation 48450 (VCV000048450.13), dbSNP rs397517995, ClinGen allele CA143374.
Genomic context (GRCh38, chr1:215,640,598, plus strand): 5'-AACAGGAGTCAGAAACTAACTTTTGTCCGCCGTTCTCGGTATGTAGAGGGTGGTGTCCAA[G>C]CCGCTGTACACGCGTCGCCCTCCGTCGGTTAACACGTACTCCTTCAGTTGGCCGTTCAGG-3'
Protein context (NP_996816.3, residues 4966-4986): LTDGGRRVYS[Gly4976=]LDTTLYIPRT

ClinVar aggregate classification (germline): Likely benign. Review status: criteria provided, multiple submitters, no conflicts (2 of 4 stars). 5 submissions from 4 submitters: Likely benign (4). 1 of the submissions does not count toward it. Last evaluated 2025-12-30.

Conditions:
Retinitis pigmentosa 39 (RP39). Identifiers: Orphanet 791, MedGen C3151138, MONDO:0013436, OMIM 613809.
Usher syndrome type 2A. Also called: RETINAL DISEASE IN USHER SYNDROME TYPE IIA, MODIFIER OF; USHER SYNDROME, TYPE IIA. Identifiers: Orphanet 231178, Orphanet 886, MedGen C1848634, MONDO:0010169, OMIM 276901.

Allele frequency attached by ClinVar (database versions not stated): gnomAD 0.00001; gnomAD exomes 0.00002 and 0.00004; TOPMed 0.00002; ExAC 0.00004.
gnomAD v4.1: 11 of 1,613,722 alleles (0.00068%); highest among the groups gnomAD compares: Admixed American, 0.018%; no homozygotes.

Submissions (5):

Labcorp Genetics (formerly Invitae), Labcorp
Classification: Likely benign. Last evaluated: 2025-12-30. Review status: criteria provided, single submitter. Criteria: Invitae Variant Classification Sherloc (09022015). Collection method: clinical testing. Allele origin: germline.

Genome-Nilou Lab
Classification: Likely benign for Retinitis pigmentosa 39. Last evaluated: 2023-11-04. Review status: criteria provided, single submitter. Criteria: ACMG Guidelines, 2015. Collection method: clinical testing. Allele origin: germline. Affected: no.

Genome-Nilou Lab
Classification: Likely benign for Usher syndrome type 2A. Last evaluated: 2023-11-04. Review status: criteria provided, single submitter. Criteria: ACMG Guidelines, 2015. Collection method: clinical testing. Allele origin: germline. Affected: no.

Laboratory for Molecular Medicine, Mass General Brigham Personalized Medicine
Classification: Likely benign. Last evaluated: 2011-10-31. Review status: criteria provided, single submitter. Criteria: LMM Criteria. Collection method: clinical testing. Allele origin: germline. Observed: 1 variant allele.
Comment: Gly4976Gly in exon 68 of USH2A: This variant is not expected to have clinical si gnificance because it does not alter an amino acid residue and is not located ne ar a splice junction.

Counsyl
Classification: Likely benign for Usher syndrome type 2A; Retinitis pigmentosa 39. Last evaluated: 2017-05-09. Review status: no assertion criteria provided. Collection method: clinical testing. Allele origin: unknown. Not counted in ClinVar's aggregate classification.